The following is an entry in ClinVar:

ClinVar aggregate classification (germline): Conflicting classifications of pathogenicity. Review status: criteria provided, conflicting classifications (1 of 4 stars). 21 submissions from 21 submitters: Uncertain significance (2); Benign (2); Likely benign (11). 6 of the submissions do not count toward it. Last evaluated 2026-05-01.

Conditions:
Ehlers-Danlos syndrome (EDS). Identifiers: Orphanet 98249, MedGen C0013720, MONDO:0020066.
Proteinuria. Identifiers: MedGen C0033687, MONDO:0003634, HP:0000093.
TGFB2-related disorder. Also called: TGFB2-related condition.
Loeys-Dietz syndrome 4 (LDS4). Also called: TGFB2-Related Loeys-Dietz Syndrome; ANEURYSM, AORTIC AND CEREBRAL, WITH ARTERIAL TORTUOSITY AND SKELETAL MANIFESTATIONS. Identifiers: MedGen C3553762, MONDO:0013897, OMIM 614816.
Familial thoracic aortic aneurysm and aortic dissection (TAAD). Also called: Thoracic aortic aneurysms and dissections. Identifiers: Orphanet 91387, MedGen C4707243, MONDO:0019625.
Aortic aneurysm. Also called: Aortic aneurysm (disease). Identifiers: MedGen C0003486, MONDO:0005160, HP:0004942.

Allele frequency attached by ClinVar (database versions not stated): ESP Exome Variant Server 0.00038; ExAC 0.00039; gnomAD exomes 0.00039 and 0.00066; TOPMed 0.00042; gnomAD 0.00047 and 0.00048.
gnomAD v4.1: 1,012 of 1,584,532 alleles (0.064%); highest among the groups gnomAD compares: Non-Finnish European, 0.078%; no homozygotes.

Submissions (21):

CeGaT Center for Human Genetics Tuebingen
Classification: Likely benign. Last evaluated: 2026-05-01. Review status: criteria provided, single submitter. Criteria: CeGaT Center For Human Genetics Tuebingen Variant Classification Criteria Version 2. Collection method: clinical testing. Allele origin: germline. Affected: yes. Observed: 4 variant alleles.
Comment: TGFB2: BS1

Labcorp Genetics (formerly Invitae), Labcorp
Classification: Likely benign for Loeys-Dietz syndrome 4. Last evaluated: 2026-02-04. Review status: criteria provided, single submitter. Criteria: Invitae Variant Classification Sherloc (09022015). Collection method: clinical testing. Allele origin: germline.

Mayo Clinic Laboratories, Mayo Clinic
Classification: Likely benign. Last evaluated: 2025-10-17. Review status: criteria provided, single submitter. Criteria: ACMG Guidelines, 2015. Collection method: clinical testing. Allele origin: germline. Observed: 1 variant allele.
Comment: BS1, BP4_moderate

Molecular Diagnostic Laboratory for Inherited Cardiovascular Disease, Montreal Heart Institute
Classification: Likely benign. Last evaluated: 2025-04-09. Review status: criteria provided, single submitter. Criteria: ACMG Guidelines, 2015. Collection method: clinical testing. Allele origin: germline. Affected: no.
Comment: BS1, BP4, BP6

ARUP Laboratories, Molecular Genetics and Genomics, ARUP Laboratories
Classification: Uncertain significance for Loeys-Dietz syndrome 4. Last evaluated: 2025-02-10. Review status: criteria provided, single submitter. Criteria: ARUP Molecular Germline Variant Investigation Process 2024. Collection method: clinical testing. Allele origin: germline.
Comment: The TGBF2 c.356C>T; p.Pro119Leu variant (rs149533093 ClinVar Variation ID: 213840), also known as c.440C>T; p.Pro147Leu for NM_001135599.4, is reported in the literature in two individuals affected with coronary artery dissection (Verstraeten 2020). This variant is found in the non-Finnish European population with an overall allele frequency of 0.07% (83/125126 alleles) in the Genome Aggregation Database (v2.1.1). Computational analyses predict that this variant is neutral (REVEL: 0.127). While the high population frequency suggests that this is likely a benign variant, given the limited clinical data and lack of functional data, the significance of this variant is uncertain at this time. References: Verstraeten A et al. Enrichment of Rare Variants in Loeys-Dietz Syndrome Genes in Spontaneous Coronary Artery Dissection but Not in Severe Fibromuscular Dysplasia. Circulation. 2020 Sep 8;142(10):1021-1024. PMID: 32897753.

Women's Health and Genetics/Laboratory Corporation of America, LabCorp
Classification: Likely benign. Last evaluated: 2024-11-11. Review status: criteria provided, single submitter. Criteria: LabCorp Variant Classification Summary - May 2015. Collection method: clinical testing. Allele origin: germline.
Comment: Variant summary: TGFB2 c.356C>T (p.Pro119Leu) results in a non-conservative amino acid change located in the TGF-beta, propeptide domain (IPR001111) of the encoded protein sequence. Three of five in-silico tools predict a benign effect of the variant on protein function. The variant allele was found at a frequency of 0.00039 in 238938 control chromosomes. The observed variant frequency is approximately 311 fold of the estimated maximal expected allele frequency for a pathogenic variant in TGFB2 causing Aortopathy phenotype (1.3e-06). To our knowledge, no occurrence of c.356C>T in individuals affected with Aortopathy and no experimental evidence demonstrating its impact on protein function have been reported. ClinVar contains an entry for this variant (Variation ID: 213840). Based on the evidence outlined above, the variant was classified as likely benign.

Blueprint Genetics
Classification: Likely benign. Last evaluated: 2024-11-08. Review status: criteria provided, single submitter. Criteria: ACMG Guidelines, 2015. Collection method: clinical testing. Allele origin: germline.

Ambry Genetics
Classification: Likely benign for Familial thoracic aortic aneurysm and aortic dissection. Last evaluated: 2020-11-03. Review status: criteria provided, single submitter. Criteria: Ambry Variant Classification Scheme 2023. Collection method: clinical testing. Allele origin: germline.

Cambridge Genomics Laboratory, East Genomic Laboratory Hub, NHS Genomic Medicine Service
Classification: Benign for Proteinuria. Last evaluated: 2019-08-30. Review status: criteria provided, single submitter. Criteria: ACGS Best Practice Guidelines for Variant Classification in Rare Disease 2020. Collection method: clinical testing. Allele origin: germline. Affected: yes. Observed: 1 variant allele.

Genome Diagnostics Laboratory, The Hospital for Sick Children
Classification: Likely benign for Ehlers-Danlos syndrome. Last evaluated: 2019-06-01. Review status: criteria provided, single submitter. Criteria: ACMG Guidelines, 2015. Collection method: clinical testing. Allele origin: germline.

Centre for Mendelian Genomics, University Medical Centre Ljubljana
Classification: Likely benign for Loeys-Dietz syndrome 4. Last evaluated: 2019-05-06. Review status: criteria provided, single submitter. Criteria: ACMG Guidelines, 2015. Collection method: clinical testing. Allele origin: unknown. Affected: yes.
Comment: This variant was classified as: Likely benign. The following ACMG criteria were applied in classifying this variant: PP4,BP4,BP6.

CHEO Genetics Diagnostic Laboratory, Children's Hospital of Eastern Ontario
Classification: Likely benign for Familial thoracic aortic aneurysm and aortic dissection. Last evaluated: 2018-09-04. Review status: criteria provided, single submitter. Criteria: ACMG Guidelines, 2015. Collection method: clinical testing. Allele origin: germline.

Baylor Genetics
Classification: Uncertain significance for Loeys-Dietz syndrome 4. Last evaluated: 2018-03-11. Review status: criteria provided, single submitter. Criteria: ACMG Guidelines, 2015. Collection method: clinical testing. Allele origin: maternal. Affected: yes.
Comment: This variant was determined to be of uncertain significance according to ACMG Guidelines, 2015 [PMID:25741868].

Illumina Laboratory Services, Illumina
Classification: Benign for Loeys-Dietz syndrome 4. Last evaluated: 2018-01-13. Review status: criteria provided, single submitter. Criteria: ICSL Variant Classification Criteria 13 December 2019. Collection method: clinical testing. Allele origin: germline.
Comment: This variant was observed in the ICSL laboratory as part of a predisposition screen in an ostensibly healthy population. It had not been previously curated by ICSL or reported in the Human Gene Mutation Database (HGMD: prior to June 1st, 2018), and was therefore a candidate for classification through an automated scoring system. Utilizing variant allele frequency, disease prevalence and penetrance estimates, and inheritance mode, an automated score was calculated to assess if this variant is too frequent to cause the disease. Based on the score and internal cut-off values, a variant classified as benign is not then subjected to further curation. The score for this variant resulted in a classification of benign for this disease.

GeneDx
Classification: Likely benign. Last evaluated: 2018-01-05. Review status: criteria provided, single submitter. Criteria: GeneDx Variant Classification (06012015). Collection method: clinical testing. Allele origin: germline. Affected: yes.
Comment: This variant is considered likely benign or benign based on one or more of the following criteria: it is a conservative change, it occurs at a poorly conserved position in the protein, it is predicted to be benign by multiple in silico algorithms, and/or has population frequency not consistent with disease.

PreventionGenetics, part of Exact Sciences
Classification: Likely benign for TGFB2-related condition. Last evaluated: 2024-02-15. Review status: no assertion criteria provided. Collection method: clinical testing. Allele origin: germline. Not counted in ClinVar's aggregate classification.
Comment: This variant is classified as likely benign based on ACMG/AMP sequence variant interpretation guidelines (Richards et al. 2015 PMID: 25741868, with internal and published modifications).

Clinical Molecular Genetics Laboratory, Johns Hopkins All Children's Hospital
Classification: Uncertain significance for Aortic aneurysm. Last evaluated: 2017-02-16. Review status: no assertion criteria provided. Collection method: clinical testing. Allele origin: germline. Affected: yes. Not counted in ClinVar's aggregate classification.

Knight Diagnostic Laboratories, Oregon Health and Sciences University
Classification: Uncertain significance for Loeys-Dietz syndrome, type 4. Last evaluated: 2015-10-23. Review status: no assertion criteria provided. Criteria: ACMG Guidelines, 2015. Collection method: clinical testing. Allele origin: germline. Affected: no. Study: CSER-NextGen. Not counted in ClinVar's aggregate classification.

Clinical Genetics DNA and cytogenetics Diagnostics Lab, Erasmus MC, Erasmus Medical Center
Classification: Likely benign. Review status: no assertion criteria provided. Collection method: clinical testing. Allele origin: germline. Affected: yes. Study: VKGL Data-share Consensus. Not counted in ClinVar's aggregate classification.

Genome Diagnostics Laboratory, University Medical Center Utrecht
Classification: Likely benign. Review status: no assertion criteria provided. Collection method: clinical testing. Allele origin: germline. Affected: yes. Study: VKGL Data-share Consensus. Not counted in ClinVar's aggregate classification.

Joint Genome Diagnostic Labs from Nijmegen and Maastricht, Radboudumc and MUMC+
Classification: Likely benign. Review status: no assertion criteria provided. Collection method: clinical testing. Allele origin: germline. Affected: yes. Study: VKGL Data-share Consensus. Not counted in ClinVar's aggregate classification.

Literature cited by the submitters: PubMed 32897753 (cited by Mayo Clinic Laboratories, Mayo Clinic); PubMed 22772371 (cited by Women's Health and Genetics/Laboratory Corporation of America, LabCorp).

NM_003238.6(TGFB2):c.356C>T (p.Pro119Leu)

Gene: TGFB2 (transforming growth factor beta 2; plus strand). Cytogenetic location: 1q41.
Variant type: single nucleotide variant.
Coding change: c.356C>T on transcript NM_003238.6 (MANE Select); coding-DNA position 356, C replaced by T.
Protein change: p.Pro119Leu; replaces proline 119 with leucine.
Molecular consequence: missense variant. On other transcripts: non-coding transcript variant (2).
Genome position (GRCh38, 1-based): chr1:218,405,178, C>T. VCF-style: chr1-218405178-C-T. GRCh37 (hg19) VCF-style: chr1-218578520-C-T.
Other names: p.P119L:CCG>CTG; p.Pro119Leu; c.440C>T, p.Pro147Leu (NM_001135599.4); short protein forms P119L, P147L.
Identifiers: ClinVar variation 213840 (VCV000213840.79), dbSNP rs149533093, ClinGen allele CA321277.